The following is an entry in ClinVar:

NM_000466.3(PEX1):c.3803dup (p.Asn1268fs)

Genes: GATAD1 (GATA zinc finger domain containing 1; plus strand), PEX1 (peroxisomal biogenesis factor 1; minus strand). Cytogenetic location: 7q21.2.
Variant type: Duplication.
Coding change: c.3803dup on transcript NM_000466.3 (MANE Select); coding-DNA position 3803, one base duplicated (A; older notation c.3803dupA).
Protein change: p.Asn1268fs; shifts the reading frame from asparagine 1268.
Molecular consequence: frameshift variant.
Genome position (GRCh38, 1-based): chr7:92,487,506, T duplicated on the plus strand (A on the coding strand, the reverse complement: PEX1 is on the minus strand); the first of 6 consecutive T bases (chr7:92,487,506-92,487,511); duplicating any one gives the same sequence. VCF-style (leftmost placement, unchanged base first): chr7-92487505-A-AT. GRCh37 (hg19) VCF-style: chr7-92116819-A-AT.
Other names: c.3632dup, p.Asn1211fs (NM_001282677.2); c.3179dup, p.Asn1060fs (NM_001282678.2); short protein forms N1060fs, N1211fs, N1268fs.
Identifiers: ClinVar variation 1504986 (VCV001504986.3), dbSNP rs1293931061, ClinGen allele CA576302423.

ClinVar aggregate classification (germline): Uncertain significance (1 of 4 stars; one submission).

Conditions:
Zellweger spectrum disorders (ZS). Also called: Zellweger Spectrum Disorder; Zellweger Spectrum; Zellweger Spectrum Disorder (ZSD); Zellweger syndrome. Identifiers: Orphanet 912, MedGen C0043459, MONDO:0019609.

Submission:

Labcorp Genetics (formerly Invitae), Labcorp
Classification: Uncertain significance for Zellweger spectrum disorders. Last evaluated: 2022-08-19. Review status: criteria provided, single submitter. Criteria: Invitae Variant Classification Sherloc (09022015). Collection method: clinical testing. Allele origin: germline.
Comment: This sequence change results in a frameshift in the PEX1 gene (p.Asn1268Lysfs*23). While this is not anticipated to result in nonsense mediated decay, it is expected to disrupt the last 16 amino acid(s) of the PEX1 protein and extend the protein by 6 additional amino acid residues. This variant is present in population databases (no rsID available, gnomAD 0.003%). This variant has not been reported in the literature in individuals affected with PEX1-related conditions. ClinVar contains an entry for this variant (Variation ID: 1504986). Experimental studies and prediction algorithms are not available or were not evaluated, and the functional significance of this variant is currently unknown. In summary, the available evidence is currently insufficient to determine the role of this variant in disease. Therefore, it has been classified as a Variant of Uncertain Significance.